The following is an entry in ClinVar:

ClinVar aggregate classification (germline): Uncertain significance (1 of 4 stars; one submission).

Conditions:
Intellectual developmental disorder, autosomal dominant 54. Also called: MENTAL RETARDATION, AUTOSOMAL DOMINANT 54; Intellectual disability, autosomal dominant 54. Identifiers: MedGen C4540484, MONDO:0030920, OMIM 617799.

gnomAD v4.1: 6 of 1,612,340 alleles (0.00037%); highest among the groups gnomAD compares: Admixed American, 0.005%; no homozygotes.

Submission:

Clinical Genetics Laboratory, University Hospital Schleswig-Holstein
Classification: Uncertain significance for Intellectual developmental disorder, autosomal dominant 54. Last evaluated: 2025-03-04. Review status: criteria provided, single submitter. Criteria: ACMG Guidelines, 2015. Collection method: clinical testing. Allele origin: maternal. Affected: yes. Observed: 1 heterozygote.
Comment: ACMG criteria applied: PM2, PP2, PP3, BS4_Supporting

NM_001220.5(CAMK2B):c.1924G>A (p.Val642Met)

Gene: CAMK2B (calcium/calmodulin dependent protein kinase II beta; minus strand). Cytogenetic location: 7p13.
Variant type: single nucleotide variant.
Coding change: c.1924G>A on transcript NM_001220.5 (MANE Select); coding-DNA position 1924, G replaced by A.
Protein change: p.Val642Met; replaces valine 642 with methionine.
Molecular consequence: missense variant.
Genome position (GRCh38, 1-based): chr7:44,220,139, C>T on the plus strand (G>A on the coding strand, the complement: CAMK2B is on the minus strand). VCF-style: chr7-44220139-C-T. GRCh37 (hg19) VCF-style: chr7-44259738-C-T.
Other names: c.1477G>A, p.Val493Met (NM_172080.3); c.1435G>A, p.Val479Met (NM_172081.3); c.1402G>A, p.Val468Met (NM_172082.3); c.1363G>A, p.Val455Met (NM_172083.3); c.1273G>A, p.Val425Met (NM_172084.3); c.1552G>A, p.Val518Met (NM_001293170.2, NM_172078.3); c.1480G>A, p.Val494Met (NM_172079.3); short protein forms V425M, V455M, V468M, V479M, V493M, V494M, V518M, V642M.
Identifiers: ClinVar variation 4081974 (VCV004081974.2).